The following is an entry in ClinVar:

ClinVar aggregate classification (germline): Pathogenic (1 of 4 stars; one submission).

Conditions:
Hereditary cancer-predisposing syndrome. Also called: Neoplastic Syndromes, Hereditary; Tumor predisposition; Hereditary neoplastic syndrome; Hereditary Cancer Syndrome. Identifiers: Orphanet 140162, MedGen C0027672, MeSH D009386, MONDO:0015356.

Submission:

Ambry Genetics
Classification: Pathogenic for Hereditary cancer-predisposing syndrome. Last evaluated: 2024-05-28. Review status: criteria provided, single submitter. Criteria: Ambry Variant Classification Scheme 2023. Collection method: clinical testing. Allele origin: germline.
Comment: The c.827delG pathogenic mutation, located in coding exon 7 of the SDHA gene, results from a deletion of one nucleotide at nucleotide position 827, causing a translational frameshift with a predicted alternate stop codon (p.G276Afs*4). This alteration is expected to result in loss of function by premature protein truncation or nonsense-mediated mRNA decay. As such, this alteration is interpreted as a disease-causing mutation.

NM_004168.4(SDHA):c.827del (p.Gly276fs)

Gene: SDHA (succinate dehydrogenase complex flavoprotein subunit A; plus strand). Cytogenetic location: 5p15.33.
Variant type: Deletion.
Coding change: c.827del on transcript NM_004168.4 (MANE Select); coding-DNA position 827, one base deleted (G; older notation c.827delG).
Protein change: p.Gly276fs; shifts the reading frame from glycine 276.
Molecular consequence: frameshift variant.
Genome position (GRCh38, 1-based): chr5:230,932, G deleted; the last of 2 consecutive G bases (chr5:230,931-230,932); deleting either gives the same sequence. VCF-style (leftmost placement, unchanged base first): chr5-230930-CG-C. GRCh37 (hg19) VCF-style: chr5-231045-CG-C.
Other names: c.683del, p.Gly228fs (NM_001294332.2); c.827del, p.Gly276fs (NM_001330758.2); short protein forms G276fs, G228fs.
Identifiers: ClinVar variation 3316847 (VCV003316847.1).
Genomic context (GRCh38, chr5:230,930, plus strand): 5'-TTCCAGAGGCTACGGGCGCACCTACTTCAGCTGCACGTCTGCCCACACCAGCACTGGCGA[CG>C]GCACGGCCATGATCACCAGGGCAGGCCTTCCTTGCCAGGACCTAGAGTTTGTTCAGTTCC-3'